The following is an entry in ClinVar:

NM_003470.3(USP7):c.2509C>G (p.Leu837Val)

Gene: USP7 (ubiquitin specific peptidase 7; minus strand). Cytogenetic location: 16p13.2.
Variant type: single nucleotide variant.
Coding change: c.2509C>G on transcript NM_003470.3 (MANE Select); coding-DNA position 2509, C replaced by G.
Protein change: p.Leu837Val; replaces leucine 837 with valine.
Molecular consequence: missense variant. On other transcripts: non-coding transcript variant (1).
Genome position (GRCh38, 1-based): chr16:8,899,143, G>C on the plus strand (C>G on the coding strand, the complement: USP7 is on the minus strand). VCF-style: chr16-8899143-G-C. GRCh37 (hg19) VCF-style: chr16-8993000-G-C.
Other names: c.2461C>G, p.Leu821Val (NM_001286457.2); c.2212C>G, p.Leu738Val (NM_001286458.2); c.2335C>G, p.Leu779Val (NM_001321858.2); short protein forms L738V, L779V, L821V, L837V.
Identifiers: ClinVar variation 3378097 (VCV003378097.1).
Genomic context (GRCh38, chr16:8,899,143, plus strand): 5'-CAGTCAAGACCAAGCAAGTGTCCACACATGTGACCTACCCTTGAGACTTGAAAAACTGCA[G>C]CAACATTGGATCTGTGTTGAGCCTCTGTGCAACTGTCTTTGCAACCTAAGACACAGAAAG-3'
Protein context (NP_003461.2, residues 827-847): AQRLNTDPML[Leu837Val]QFFKSQGYRD

ClinVar aggregate classification (germline): Uncertain significance (1 of 4 stars; one submission).

Submission:

GeneDx
Classification: Uncertain significance. Last evaluated: 2024-05-14. Review status: criteria provided, single submitter. Criteria: GeneDx Variant Classification Process June 2021. Collection method: clinical testing. Allele origin: germline. Affected: yes.
Comment: Not observed at significant frequency in large population cohorts (gnomAD); In silico analysis supports that this missense variant does not alter protein structure/function; Has not been previously published as pathogenic or benign to our knowledge